The following is an entry in ClinVar:

NM_015267.4(CUX2):c.2976A>C (p.Thr992=)

Gene: CUX2 (cut like homeobox 2; plus strand). Cytogenetic location: 12q24.12.
Variant type: single nucleotide variant.
Coding change: c.2976A>C on transcript NM_015267.4 (MANE Select); coding-DNA position 2976, A replaced by C.
Protein change: p.Thr992=; no amino-acid change (threonine 992 retained).
Molecular consequence: synonymous variant.
Genome position (GRCh38, 1-based): chr12:111,334,490, A>C. VCF-style: chr12-111334490-A-C. GRCh37 (hg19) VCF-style: chr12-111772294-A-C.
Other names: c.2790A>C, p.Thr930= (NM_001370598.1).
Identifiers: ClinVar variation 3025551 (VCV003025551.22), dbSNP rs2499909623, ClinGen allele CA481756144.

ClinVar aggregate classification (germline): Likely benign (1 of 4 stars; one submission).

Submission:

CeGaT Center for Human Genetics Tuebingen
Classification: Likely benign. Last evaluated: 2024-01-01. Review status: criteria provided, single submitter. Criteria: CeGaT Center For Human Genetics Tuebingen Variant Classification Criteria Version 2. Collection method: clinical testing. Allele origin: germline. Affected: yes. Observed: 1 variant allele.
Comment: CUX2: BP4, BP7